The following is an entry in ClinVar:

NM_014974.3(DIP2C):c.3373A>C (p.Ile1125Leu)

Genes: DIP2C (DIP2 acetate--CoA ligase C (putative); minus strand), LOC126860805 (BRD4-independent group 4 enhancer GRCh37_chr10:390524-391723; plus strand). Cytogenetic location: 10p15.3.
Variant type: single nucleotide variant.
Coding change: c.3373A>C on transcript NM_014974.3 (MANE Select); coding-DNA position 3373, A replaced by C.
Protein change: p.Ile1125Leu; replaces isoleucine 1125 with leucine.
Molecular consequence: missense variant.
Genome position (GRCh38, 1-based): chr10:344,889, T>G on the plus strand (A>C on the coding strand, the complement: DIP2C is on the minus strand). VCF-style: chr10-344889-T-G. GRCh37 (hg19) VCF-style: chr10-390829-T-G.
Other names: c.3373A>C (NM_014974.2); short protein forms I1125L.
Identifiers: ClinVar variation 2175565 (VCV002175565.5), dbSNP rs746986260, ClinGen allele CA5379996.

ClinVar aggregate classification (germline): Uncertain significance. Review status: criteria provided, multiple submitters, no conflicts (2 of 4 stars). 2 submissions from 2 submitters: Uncertain significance (2). Last evaluated 2025-10-21.

Conditions:
Inborn genetic diseases. Identifiers: MedGen C0950123, MeSH D030342.

Allele frequency attached by ClinVar (database versions not stated): ExAC 0.00001.
gnomAD v4.1: 49 of 1,607,756 alleles (0.003%); highest among the groups gnomAD compares: Non-Finnish European, 0.0039%; no homozygotes.

Submissions (2):

Labcorp Genetics (formerly Invitae), Labcorp
Classification: Uncertain significance. Last evaluated: 2025-10-21. Review status: criteria provided, single submitter. Criteria: Invitae Variant Classification Sherloc (09022015). Collection method: clinical testing. Allele origin: germline.
Comment: This sequence change replaces isoleucine, which is neutral and non-polar, with leucine, which is neutral and non-polar, at codon 1125 of the DIP2C protein (p.Ile1125Leu). This variant is present in population databases (rs746986260, gnomAD 0.007%). This variant has not been reported in the literature in individuals affected with DIP2C-related conditions. ClinVar contains an entry for this variant (Variation ID: 2175565). An algorithm developed to predict the effect of missense changes on protein structure and function (PolyPhen-2) suggests that this variant is likely to be tolerated. In summary, the available evidence is currently insufficient to determine the role of this variant in disease. Therefore, it has been classified as a Variant of Uncertain Significance.

Ambry Genetics
Classification: Uncertain significance for Inborn genetic diseases. Last evaluated: 2025-01-17. Review status: criteria provided, single submitter. Criteria: Ambry Variant Classification Scheme 2023. Collection method: clinical testing. Allele origin: germline.